The following is an entry in ClinVar:

ClinVar aggregate classification (germline): Uncertain significance. Review status: criteria provided, multiple submitters, no conflicts (2 of 4 stars). 4 submissions from 4 submitters: Uncertain significance (3). 1 of the submissions does not count toward it. Last evaluated 2024-09-06.

Conditions:
SLC12A1-related disorder. Also called: SLC12A1-related condition.
Inborn genetic diseases. Identifiers: MedGen C0950123, MeSH D030342.
Bartter disease type 1. Also called: Bartter Syndrome type 1; HYPERPROSTAGLANDIN E SYNDROME 1; HYPOKALEMIC ALKALOSIS WITH HYPERCALCIURIA 1, ANTENATAL; Bartter syndrome, type 1, antenatal. Identifiers: Orphanet 112, Orphanet 620217, MedGen C1866495, MONDO:0100344, OMIM 601678, MONDO:0011127.

Allele frequency attached by ClinVar (database versions not stated): ExAC 0.00003; gnomAD exomes 0.00008; TOPMed 0.00010; gnomAD 0.00013.
gnomAD v4.1: 136 of 1,611,652 alleles (0.0084%); highest among the groups gnomAD compares: Admixed American, 0.05%; 1 homozygote.

Submissions (4):

Labcorp Genetics (formerly Invitae), Labcorp
Classification: Uncertain significance. Last evaluated: 2024-09-06. Review status: criteria provided, single submitter. Criteria: Invitae Variant Classification Sherloc (09022015). Collection method: clinical testing. Allele origin: germline.
Comment: This sequence change replaces asparagine, which is neutral and polar, with serine, which is neutral and polar, at codon 17 of the SLC12A1 protein (p.Asn17Ser). This variant is present in population databases (rs757876818, gnomAD 0.04%), including at least one homozygous and/or hemizygous individual. This variant has not been reported in the literature in individuals affected with SLC12A1-related conditions. ClinVar contains an entry for this variant (Variation ID: 2387586). An algorithm developed to predict the effect of missense changes on protein structure and function outputs the following: PolyPhen-2: "Benign". The serine amino acid residue is found in multiple mammalian species, which suggests that this missense change does not adversely affect protein function. In summary, the available evidence is currently insufficient to determine the role of this variant in disease. Therefore, it has been classified as a Variant of Uncertain Significance.

Fulgent Genetics
Classification: Uncertain significance for Bartter disease type 1. Last evaluated: 2024-03-07. Review status: criteria provided, single submitter. Criteria: ACMG Guidelines, 2015. Collection method: clinical testing. Allele origin: germline.

Ambry Genetics
Classification: Uncertain significance for Inborn genetic diseases. Last evaluated: 2021-06-11. Review status: criteria provided, single submitter. Criteria: Ambry Variant Classification Scheme 2023. Collection method: clinical testing. Allele origin: germline.

PreventionGenetics, part of Exact Sciences
Classification: Uncertain significance for SLC12A1-related condition. Last evaluated: 2023-10-25. Review status: no assertion criteria provided. Collection method: clinical testing. Allele origin: germline. Not counted in ClinVar's aggregate classification.
Comment: The SLC12A1 c.50A>G variant is predicted to result in the amino acid substitution p.Asn17Ser. To our knowledge, this variant has not been reported in the literature. This variant is reported in 0.044% of alleles in individuals of Latino descent in gnomAD. At this time, the clinical significance of this variant is uncertain due to the absence of conclusive functional and genetic evidence.

NM_000338.3(SLC12A1):c.50A>G (p.Asn17Ser)

Gene: SLC12A1 (solute carrier family 12 member 1; plus strand). Cytogenetic location: 15q21.1.
Variant type: single nucleotide variant.
Coding change: c.50A>G on transcript NM_000338.3 (MANE Select); coding-DNA position 50, A replaced by G.
Protein change: p.Asn17Ser; replaces asparagine 17 with serine.
Molecular consequence: missense variant.
Genome position (GRCh38, 1-based): chr15:48,207,769, A>G. VCF-style: chr15-48207769-A-G. GRCh37 (hg19) VCF-style: chr15-48499966-A-G.
Other names: c.50A>G, p.Asn17Ser (NM_001184832.2, NM_001384136.1); short protein forms N17S.
Identifiers: ClinVar variation 2387586 (VCV002387586.7), dbSNP rs757876818, ClinGen allele CA7546680.